The following is an entry in ClinVar:

NM_032856.5(WDR73):c.1001A>G (p.Asp334Gly)

Gene: WDR73 (WD repeat domain 73; minus strand). Cytogenetic location: 15q25.2.
Variant type: single nucleotide variant.
Coding change: c.1001A>G on transcript NM_032856.5 (MANE Select); coding-DNA position 1001, A replaced by G.
Protein change: p.Asp334Gly; replaces aspartic acid 334 with glycine.
Molecular consequence: missense variant. On other transcripts: non-coding transcript variant (4).
Genome position (GRCh38, 1-based): chr15:84,643,606, T>C on the plus strand (A>G on the coding strand, the complement: WDR73 is on the minus strand). VCF-style: chr15-84643606-T-C. GRCh37 (hg19) VCF-style: chr15-85186837-T-C.
Other names: p.Asp334Gly; c.1001A>G (NM_032856.4); short protein forms D334G.
Identifiers: ClinVar variation 1253486 (VCV001253486.14), dbSNP rs72750868, ClinGen allele CA7707165.

ClinVar aggregate classification (germline): Benign. Review status: criteria provided, multiple submitters, no conflicts (2 of 4 stars). 6 submissions from 6 submitters: Benign (6). Last evaluated 2026-02-01.

Conditions:
Galloway-Mowat syndrome 1 (GAMOS1). Identifiers: Orphanet 2065, Orphanet 83472, MedGen C4551772, MONDO:0033005, OMIM 251300.

Allele frequency attached by ClinVar (database versions not stated): 1000 Genomes Project 0.04433; 1000 Genomes Project 30x 0.04513; TOPMed 0.05839; ESP Exome Variant Server 0.06447; gnomAD 0.06506 and 0.06616; gnomAD exomes 0.06594; ExAC 0.07546.
gnomAD v4.1: 124,626 of 1,612,576 alleles (7.7%); highest among the groups gnomAD compares: Non-Finnish European, 8.4%; 5,332 homozygotes.

Submissions (6):

Labcorp Genetics (formerly Invitae), Labcorp
Classification: Benign. Last evaluated: 2026-02-01. Review status: criteria provided, single submitter. Criteria: Invitae Variant Classification Sherloc (09022015). Collection method: clinical testing. Allele origin: germline.

Blueprint Genetics
Classification: Benign. Last evaluated: 2024-11-27. Review status: criteria provided, single submitter. Criteria: ACMG Guidelines, 2015. Collection method: clinical testing. Allele origin: germline.

Mayo Clinic Laboratories, Mayo Clinic
Classification: Benign. Last evaluated: 2023-08-11. Review status: criteria provided, single submitter. Criteria: ACMG Guidelines, 2015. Collection method: clinical testing. Allele origin: germline. Observed: 104 variant alleles.
Comment: BA1, BS2, BP4

Genome-Nilou Lab
Classification: Benign for Galloway-Mowat syndrome 1. Last evaluated: 2021-12-05. Review status: criteria provided, single submitter. Criteria: ACMG Guidelines, 2015. Collection method: clinical testing. Allele origin: germline. Affected: no.

GeneDx
Classification: Benign. Last evaluated: 2019-12-29. Review status: criteria provided, single submitter. Criteria: GeneDx Variant Classification Process June 2021. Collection method: clinical testing. Allele origin: germline. Affected: yes.

Breakthrough Genomics
Classification: Benign. Review status: criteria provided, single submitter. Criteria: ACMG Guidelines, 2015. Collection method: not provided. Allele origin: germline. Inheritance: Autosomal recessive inheritance. Affected: yes.